The following is an entry in ClinVar:

ClinVar aggregate classification (germline): Uncertain significance (1 of 4 stars; one submission).

Conditions:
Nephronophthisis 14 (NPHP14). Identifiers: Orphanet 2318, MedGen C3539071, MONDO:0013916, OMIM 614844.

Submission:

Labcorp Genetics (formerly Invitae), Labcorp
Classification: Uncertain significance for Nephronophthisis 14. Last evaluated: 2024-05-20. Review status: criteria provided, single submitter. Criteria: Invitae Variant Classification Sherloc (09022015). Collection method: clinical testing. Allele origin: germline.
Comment: This sequence change replaces glutamic acid, which is acidic and polar, with aspartic acid, which is acidic and polar, at codon 788 of the ZNF423 protein (p.Glu788Asp). This variant is not present in population databases (gnomAD no frequency). This variant has not been reported in the literature in individuals affected with ZNF423-related conditions. ClinVar contains an entry for this variant (Variation ID: 2118582). Advanced modeling of protein sequence and biophysical properties (such as structural, functional, and spatial information, amino acid conservation, physicochemical variation, residue mobility, and thermodynamic stability) performed at Invitae indicates that this missense variant is not expected to disrupt ZNF423 protein function with a negative predictive value of 80%. In summary, the available evidence is currently insufficient to determine the role of this variant in disease. Therefore, it has been classified as a Variant of Uncertain Significance.

NM_001379286.1(ZNF423):c.2388G>T (p.Glu796Asp)

Gene: ZNF423 (zinc finger protein 423; minus strand). Cytogenetic location: 16q12.1.
Variant type: single nucleotide variant.
Coding change: c.2388G>T on transcript NM_001379286.1 (MANE Select); coding-DNA position 2388, G replaced by T.
Protein change: p.Glu796Asp; replaces glutamic acid 796 with aspartic acid.
Molecular consequence: missense variant.
Genome position (GRCh38, 1-based): chr16:49,636,788, C>A on the plus strand (G>T on the coding strand, the complement: ZNF423 is on the minus strand). VCF-style: chr16-49636788-C-A. GRCh37 (hg19) VCF-style: chr16-49670699-C-A.
Other names: c.2184G>T, p.Glu728Asp (NM_001271620.2); c.2013G>T, p.Glu671Asp (NM_001330533.2); c.2364G>T, p.Glu788Asp (NM_015069.5); short protein forms E788D, E728D, E671D, E796D.
Identifiers: ClinVar variation 2118582 (VCV002118582.4), dbSNP rs772919262, ClinGen allele CA395843128.